The following is an entry in ClinVar:

ClinVar aggregate classification (germline): Conflicting classifications of pathogenicity. Review status: criteria provided, conflicting classifications (1 of 4 stars). 5 submissions from 5 submitters: Uncertain significance (1); Likely benign (4). Last evaluated 2026-02-01.

Conditions:
Mitochondrial DNA depletion syndrome 13. Also called: Mitochondrial DNA depletion syndrome 13 (encephalomyopathic type); FBXL4-Related Encephalomyopathic Mitochondrial DNA Depletion Syndrome. Identifiers: Orphanet 369897, MedGen C3809592, MONDO:0014198, OMIM 615471.

Allele frequency attached by ClinVar (database versions not stated): ExAC 0.00015; ESP Exome Variant Server 0.00015; gnomAD 0.00015 and 0.00018; gnomAD exomes 0.00015 and 0.00024; TOPMed 0.00019.
gnomAD v4.1: 370 of 1,613,986 alleles (0.023%); highest among the groups gnomAD compares: Non-Finnish European, 0.029%; no homozygotes.

Submissions (5):

CeGaT Center for Human Genetics Tuebingen
Classification: Likely benign. Last evaluated: 2026-02-01. Review status: criteria provided, single submitter. Criteria: CeGaT Center For Human Genetics Tuebingen Variant Classification Criteria Version 2. Collection method: clinical testing. Allele origin: germline. Affected: yes. Observed: 1 variant allele.
Comment: FBXL4: BP4, BP7

Labcorp Genetics (formerly Invitae), Labcorp
Classification: Likely benign. Last evaluated: 2026-02-01. Review status: criteria provided, single submitter. Criteria: Invitae Variant Classification Sherloc (09022015). Collection method: clinical testing. Allele origin: germline.

Blueprint Genetics
Classification: Likely benign. Last evaluated: 2024-07-10. Review status: criteria provided, single submitter. Criteria: ACMG Guidelines, 2015. Collection method: clinical testing. Allele origin: germline.

Wong Mito Lab, Molecular and Human Genetics, Baylor College of Medicine
Classification: Uncertain significance for Mitochondrial DNA depletion syndrome 13. Last evaluated: 2017-08-10. Review status: criteria provided, single submitter. Criteria: ACMG Guidelines, 2015. Collection method: reference population. Allele origin: germline.
Comment: The NM_012160.4:c.351G>A (NP_036292.2:p.Thr117=) [GRCH38: NC_000006.12:g.98926638C>T] variant in FBXL4 gene is interpretated to be a Uncertain Significance - Conflicting Evidence based on ACMG guidelines (PMID: 25741868). This variant meets one or more of the following evidence codes reported in the ACMG-guideline. PM2:This variant is absent in key population databases. BP4:Computational evidence/predictors indicate no impact on the FBXL4 structure, function, or protein-protein interaction. BP7:The variant is silent with non predicted splice impact. Based on this evidence code ClinGen Pathogenicity Calculator (PMID:28081714) suggested that the variant is Uncertain Significance - Conflicting Evidence.

GeneDx
Classification: Likely benign. Last evaluated: 2016-09-08. Review status: criteria provided, single submitter. Criteria: GeneDx Variant Classification (06012015). Collection method: clinical testing. Allele origin: germline. Affected: yes.
Comment: This variant is considered likely benign or benign based on one or more of the following criteria: it is a conservative change, it occurs at a poorly conserved position in the protein, it is predicted to be benign by multiple in silico algorithms, and/or has population frequency not consistent with disease.

NM_001278716.2(FBXL4):c.351G>A (p.Thr117=)

Gene: FBXL4 (F-box and leucine rich repeat protein 4; minus strand). Cytogenetic location: 6q16.2.
Variant type: single nucleotide variant.
Coding change: c.351G>A on transcript NM_001278716.2 (MANE Select); coding-DNA position 351, G replaced by A.
Protein change: p.Thr117=; no amino-acid change (threonine 117 retained).
Molecular consequence: synonymous variant. On other transcripts: non-coding transcript variant (2).
Genome position (GRCh38, 1-based): chr6:98,926,638, C>T on the plus strand (G>A on the coding strand, the complement: FBXL4 is on the minus strand). VCF-style: chr6-98926638-C-T. GRCh37 (hg19) VCF-style: chr6-99374514-C-T.
Other names: c.351G>A, p.Thr117= (NM_012160.5).
Identifiers: ClinVar variation 389040 (VCV000389040.14), dbSNP rs375173811, ClinGen allele CA3933704.